The following is an entry in ClinVar:

ClinVar aggregate classification (germline): Uncertain significance (1 of 4 stars; one submission).

Submission:

Labcorp Genetics (formerly Invitae), Labcorp
Classification: Uncertain significance. Last evaluated: 2025-06-03. Review status: criteria provided, single submitter. Criteria: Invitae Variant Classification Sherloc (09022015). Collection method: clinical testing. Allele origin: germline.
Comment: This sequence change replaces asparagine, which is neutral and polar, with lysine, which is basic and polar, at codon 229 of the MARS2 protein (p.Asn229Lys). This variant is not present in population databases (gnomAD no frequency). This variant has not been reported in the literature in individuals affected with MARS2-related conditions. Invitae Evidence Modeling of protein sequence and biophysical properties (such as structural, functional, and spatial information, amino acid conservation, physicochemical variation, residue mobility, and thermodynamic stability) indicates that this missense variant is not expected to disrupt MARS2 protein function with a negative predictive value of 80%. In summary, the available evidence is currently insufficient to determine the role of this variant in disease. Therefore, it has been classified as a Variant of Uncertain Significance.

NM_138395.4(MARS2):c.687C>G (p.Asn229Lys)

Gene: MARS2 (methionyl-tRNA synthetase 2, mitochondrial; plus strand). Cytogenetic location: 2q33.1.
Variant type: single nucleotide variant.
Coding change: c.687C>G on transcript NM_138395.4 (MANE Select); coding-DNA position 687, C replaced by G.
Protein change: p.Asn229Lys; replaces asparagine 229 with lysine.
Molecular consequence: missense variant.
Genome position (GRCh38, 1-based): chr2:197,706,092, C>G. VCF-style: chr2-197706092-C-G. GRCh37 (hg19) VCF-style: chr2-198570816-C-G.
Other names: short protein forms N229K.
Identifiers: ClinVar variation 4743767 (VCV004743767.1).